The following is an entry in ClinVar:

NM_172351.3(CD46):c.565T>G (p.Tyr189Asp)

Gene: CD46 (CD46 molecule; plus strand). Cytogenetic location: 1q32.2.
Variant type: single nucleotide variant.
Coding change: c.565T>G on transcript NM_172351.3 (MANE Select); coding-DNA position 565, T replaced by G.
Protein change: p.Tyr189Asp; replaces tyrosine 189 with aspartic acid.
Molecular consequence: missense variant.
Genome position (GRCh38, 1-based): chr1:207,761,338, T>G. VCF-style: chr1-207761338-T-G. GRCh37 (hg19) VCF-style: chr1-207934683-T-G.
Other names: p.Tyr189Asp; c.565T>G, p.Tyr189Asp (NM_002389.4, NM_153826.4, NM_172350.3 and 8 more transcripts); short protein forms Y189D.
Identifiers: ClinVar variation 988106 (VCV000988106.16), dbSNP rs202071781, ClinGen allele CA1371676.

ClinVar aggregate classification (germline): Conflicting classifications of pathogenicity. Review status: criteria provided, conflicting classifications (1 of 4 stars). 10 submissions from 10 submitters: Likely pathogenic (3); Uncertain significance (6). 1 of the submissions does not count toward it. Last evaluated 2026-09-17.

Conditions:
Atypical hemolytic-uremic syndrome with MCP/CD46 anomaly. Also called: HEMOLYTIC UREMIC SYNDROME, ATYPICAL, SUSCEPTIBILITY TO, 2; AHUS, SUSCEPTIBILITY TO, 2. Identifiers: Orphanet 2134, MedGen C2752040, MONDO:0013040, OMIM 612922.
Atypical hemolytic-uremic syndrome. Identifiers: Orphanet 2134, MedGen C2931788, MONDO:0016244.
CD46-related disorders.

Allele frequency attached by ClinVar (database versions not stated): ExAC 0.00001; gnomAD 0.00002 and 0.00003; gnomAD exomes 0.00002; TOPMed 0.00005; 1000 Genomes Project 30x 0.00016; 1000 Genomes Project 0.00020.
gnomAD v4.1: 33 of 1,612,496 alleles (0.002%); highest among the groups gnomAD compares: East Asian, 0.0067%; no homozygotes.

Submissions (10):

Genomenon, Inc
Classification: Likely pathogenic for Atypical hemolytic-uremic syndrome. Last evaluated: 2026-09-17. Review status: criteria provided, single submitter. Criteria: Genomenon Sequence Variant Interpretation Standards - Updated. Collection method: curation. Allele origin: germline. Affected: yes.
Comment: CD46 p.Tyr189Asp (c.565T>G) is a missense variant that changes the amino acid at codon 189 from tyrosine to aspartic acid. This variant has been observed in at least one proband affected with atypical hemolytic-uremic syndrome (PMID:34169201;34169200;28509219;20595690;28596415;20059470;26880462;24460647;23307876;21810760). The variant was found to segregate with disease in at least one affected family (PMID:21810760;16762990). Functional studies have been reported (PMID:16762990;39097532;17089378). It is absent or not present at a significant frequency in gnomAD. In conclusion, we classify CD46 p.Tyr189Asp (c.565T>G) as a likely pathogenic variant.

CeGaT Center for Human Genetics Tuebingen
Classification: Uncertain significance. Last evaluated: 2026-06-01. Review status: criteria provided, single submitter. Criteria: CeGaT Center For Human Genetics Tuebingen Variant Classification Criteria Version 2. Collection method: clinical testing. Allele origin: germline. Affected: yes. Observed: 1 variant allele.
Comment: CD46: PS4:Moderate, PM1:Supporting, PM2:Supporting, PS3:Supporting

GeneDx
Classification: Uncertain significance. Last evaluated: 2026-02-09. Review status: criteria provided, single submitter. Criteria: GeneDx Variant Classification Process June 2021. Collection method: clinical testing. Allele origin: germline.
Comment: In silico analysis supports that this missense variant has a deleterious effect on protein structure/function; This variant is associated with the following publications: (PMID: 33213850, 21810760, 20513133, 37369098, 36964972, 33224962, 36404349, 20059470, 37744338, 25951460, 29511899, 34169201, 23314101, 39097532, 29644059, 29500241, 40093928, 38343496, 39081726, 24029428)

Mayo Clinic Laboratories, Mayo Clinic
Classification: Likely pathogenic. Last evaluated: 2025-09-04. Review status: criteria provided, single submitter. Criteria: ACMG Guidelines, 2015. Collection method: clinical testing. Allele origin: germline. Observed: 1 variant allele.
Comment: PP4, PM3, PS3_supporting, PS4

Labcorp Genetics (formerly Invitae), Labcorp
Classification: Uncertain significance. Last evaluated: 2025-07-30. Review status: criteria provided, single submitter. Criteria: Invitae Variant Classification Sherloc (09022015). Collection method: clinical testing. Allele origin: germline.
Comment: This sequence change replaces tyrosine, which is neutral and polar, with aspartic acid, which is acidic and polar, at codon 189 of the CD46 protein (p.Tyr189Asp). This variant is present in population databases (rs202071781, gnomAD 0.005%). This missense change has been observed in individual(s) with atypical hemolytic uremic syndrome (aHUS), however some individuals also carried variants in other aHUS-causing genes (PMID: 16762990, 20059470, 20513133, 21810760, 23314101, 24029428, 29644059, 33213850, 34169201). This variant is also known as Y155D in the MCP gene. ClinVar contains an entry for this variant (Variation ID: 988106). Invitae Evidence Modeling of protein sequence and biophysical properties (such as structural, functional, and spatial information, amino acid conservation, physicochemical variation, residue mobility, and thermodynamic stability) indicates that this missense variant is expected to disrupt CD46 protein function with a positive predictive value of 80%. Experimental studies have shown that this missense change affects CD46 function (PMID: 16762990). In summary, the available evidence is currently insufficient to determine the role of this variant in disease. Therefore, it has been classified as a Variant of Uncertain Significance.

Center for Genomic Medicine, Rigshospitalet, Copenhagen University Hospital
Classification: Uncertain significance. Last evaluated: 2025-03-04. Review status: criteria provided, single submitter. Criteria: ACMG Guidelines, 2015. Collection method: clinical testing. Allele origin: germline.

Women's Health and Genetics/Laboratory Corporation of America, LabCorp
Classification: Uncertain significance. Last evaluated: 2025-02-03. Review status: criteria provided, single submitter. Criteria: LabCorp Variant Classification Summary - May 2015. Collection method: clinical testing. Allele origin: germline.
Comment: Variant summary: CD46 c.565T>G (p.Tyr189Asp) results in a non-conservative amino acid change in the encoded protein sequence. Four of five in-silico tools predict a damaging effect of the variant on protein function. The variant allele was found at a frequency of 1.6e-05 in 251434 control chromosomes. c.565T>G has been reported in the literature in individuals affected with Genetic Atypical Hemolytic Uremic Syndrome including at-least one patient at a homozygous state (Wang_2024), in other occurrences, the variant was often reported along with variant(s) from other genes or without detailed information (Bacchi_2006, Brackman_2011, Ardissino_2021, Rydberg_2023, Brocklebank_2023). These data indicate that the variant may be associated with disease. At least one publication reports experimental evidence evaluating an impact on protein function. The most pronounced variant effect results in non-detectable C3b or C4b binding activity and negligible cofactor activity in CHO cells (Bacchi_2006). The following publications have been ascertained in the context of this evaluation (PMID: 21810760, 34169201, 23307876, 37369098, 37744338, 39097532). ClinVar contains an entry for this variant (Variation ID: 988106). Based on the evidence outlined above, the variant was classified as VUS-possibly pathogenic.

Fulgent Genetics
Classification: Uncertain significance for Atypical hemolytic-uremic syndrome with MCP/CD46 anomaly. Last evaluated: 2024-01-05. Review status: criteria provided, single submitter. Criteria: ACMG Guidelines, 2015. Collection method: clinical testing. Allele origin: germline.

Blueprint Genetics
Classification: Likely pathogenic for CD46-related disorders. Last evaluated: 2023-03-20. Review status: criteria provided, single submitter. Criteria: ACMG Guidelines, 2015. Collection method: clinical testing. Allele origin: germline. Affected: yes. Observed: 3 variant alleles.

Sydney Genome Diagnostics, Children's Hospital Westmead
Classification: Likely pathogenic for Atypical hemolytic-uremic syndrome. Last evaluated: 2018-05-30. Review status: no assertion criteria provided. Collection method: clinical testing. Allele origin: unknown. Affected: yes. Observed: 1 variant allele, 1 heterozygote. Not counted in ClinVar's aggregate classification.
Comment: This variant has been previously reported either as a single heterozygous variant or in conjunction with other CD46 variants, in aHUS patients (Fremeaux-Bacchi et al. 2006. J Am Soc Nephrol 17:2017-2025; Bu et al. 2014. J Am Soc Nephrol 25: 55-64). Patients with the c.565T>G variants had decreased levels of the protein product MCP, and the function of p.Tyr189Asp mutant MCP was also shown to be decreased in vitro (Fremeaux-Bacchi et al. 2006). c.565T>G has been reported in the ExAC database with a very low allele frequency (1/121036 alleles). This variant is considered to be a likely pathogenic according to the ACMG guidelines.

Literature cited by the submitters: PubMed 34169201 (cited by 4 submitters); PubMed 34169200 (cited by Genomenon, Inc); PubMed 28509219 (cited by Genomenon, Inc); PubMed 20595690 (cited by Genomenon, Inc); PubMed 28596415 (cited by Genomenon, Inc); PubMed 20059470 (cited by Genomenon, Inc and Labcorp Genetics (formerly Invitae), Labcorp); PubMed 26880462 (cited by Genomenon, Inc); PubMed 24460647 (cited by Genomenon, Inc); PubMed 23307876 (cited by Genomenon, Inc and Women's Health and Genetics/Laboratory Corporation of America, LabCorp); PubMed 21810760 (cited by 5 submitters); PubMed 16762990 (cited by 4 submitters); PubMed 39097532 (cited by 3 submitters); PubMed 17089378 (cited by Genomenon, Inc); PubMed 20513133 (cited by Mayo Clinic Laboratories, Mayo Clinic and Labcorp Genetics (formerly Invitae), Labcorp); PubMed 23314101 (cited by 3 submitters); PubMed 29644059 (cited by Mayo Clinic Laboratories, Mayo Clinic and Labcorp Genetics (formerly Invitae), Labcorp); PubMed 33213850 (cited by 3 submitters); PubMed 36964972 (cited by Mayo Clinic Laboratories, Mayo Clinic); PubMed 37369098 (cited by Mayo Clinic Laboratories, Mayo Clinic and Women's Health and Genetics/Laboratory Corporation of America, LabCorp); PubMed 37744338 (cited by Mayo Clinic Laboratories, Mayo Clinic and Women's Health and Genetics/Laboratory Corporation of America, LabCorp); PubMed 40093928 (cited by Mayo Clinic Laboratories, Mayo Clinic); PubMed 24029428 (cited by Labcorp Genetics (formerly Invitae), Labcorp).